The following is an entry in ClinVar:

NM_019066.5(MAGEL2):c.170C>T (p.Ala57Val)

Gene: MAGEL2 (MAGE family member L2; minus strand). Cytogenetic location: 15q11.2.
Variant type: single nucleotide variant.
Coding change: c.170C>T on transcript NM_019066.5 (MANE Select); coding-DNA position 170, C replaced by T.
Protein change: p.Ala57Val; replaces alanine 57 with valine.
Molecular consequence: missense variant.
Genome position (GRCh38, 1-based): chr15:23,647,573, G>A on the plus strand (C>T on the coding strand, the complement: MAGEL2 is on the minus strand). VCF-style: chr15-23647573-G-A. GRCh37 (hg19) VCF-style: chr15-23892720-G-A.
Other names: short protein forms A57V.
Identifiers: ClinVar variation 3019580 (VCV003019580.3), dbSNP rs749836869, ClinGen allele CA7430130.

ClinVar aggregate classification (germline): Uncertain significance (1 of 4 stars; one submission).

Allele frequency attached by ClinVar (database versions not stated): ExAC 0.00008; gnomAD exomes 0.00001.
gnomAD v4.1: 8 of 1,535,862 alleles (0.00052%); highest among the groups gnomAD compares: African/African-American, 0.0014%; no homozygotes.

Submission:

Labcorp Genetics (formerly Invitae), Labcorp
Classification: Uncertain significance. Last evaluated: 2025-03-24. Review status: criteria provided, single submitter. Criteria: Invitae Variant Classification Sherloc (09022015). Collection method: clinical testing. Allele origin: germline.
Comment: This sequence change replaces alanine, which is neutral and non-polar, with valine, which is neutral and non-polar, at codon 57 of the MAGEL2 protein (p.Ala57Val). This variant is present in population databases (rs749836869, gnomAD 0.02%). This variant has not been reported in the literature in individuals affected with MAGEL2-related conditions. ClinVar contains an entry for this variant (Variation ID: 3019580). Experimental studies and prediction algorithms are not available or were not evaluated, and the functional significance of this variant is currently unknown. In summary, the available evidence is currently insufficient to determine the role of this variant in disease. Therefore, it has been classified as a Variant of Uncertain Significance.